The following is an entry in ClinVar:

ClinVar aggregate classification (germline): Uncertain significance. Review status: criteria provided, multiple submitters, no conflicts (2 of 4 stars). 2 submissions from 2 submitters: Uncertain significance (2). Last evaluated 2021-05-31.

Allele frequency attached by ClinVar (database versions not stated): gnomAD 0.00001; TOPMed 0.00001.

Submissions (2):

Labcorp Genetics (formerly Invitae), Labcorp
Classification: Uncertain significance. Last evaluated: 2021-05-31. Review status: criteria provided, single submitter. Criteria: Invitae Variant Classification Sherloc (09022015). Collection method: clinical testing. Allele origin: germline.
Comment: The frequency data for this variant in the population databases is considered unreliable, as metrics indicate insufficient coverage at this position in the ExAC database. In summary, the available evidence is currently insufficient to determine the role of this variant in disease. Therefore, it has been classified as a Variant of Uncertain Significance. Algorithms developed to predict the effect of missense changes on protein structure and function (SIFT, PolyPhen-2, Align-GVGD) all suggest that this variant is likely to be tolerated, but these predictions have not been confirmed by published functional studies and their clinical significance is uncertain. This variant has been observed in individual(s) with clinical features of retinitis pigmentosa (Invitae). ClinVar contains an entry for this variant (Variation ID: 499956). This sequence change replaces alanine with aspartic acid at codon 112 of the IMPDH1 protein (p.Ala112Asp). The alanine residue is weakly conserved and there is a moderate physicochemical difference between alanine and aspartic acid.

Eurofins Ntd Llc (ga)
Classification: Uncertain significance. Last evaluated: 2017-02-06. Review status: criteria provided, single submitter. Criteria: EGL Classification Definitions 2015. Collection method: clinical testing. Allele origin: germline. Observed: 1 variant allele, 1 heterozygote.

NM_000883.4(IMPDH1):c.335C>A (p.Ala112Asp)

Gene: IMPDH1 (inosine monophosphate dehydrogenase 1; minus strand). Cytogenetic location: 7q32.1.
Variant type: single nucleotide variant.
Coding change: c.335C>A on transcript NM_000883.4 (MANE Select); coding-DNA position 335, C replaced by A.
Protein change: p.Ala112Asp; replaces alanine 112 with aspartic acid.
Molecular consequence: missense variant. On other transcripts: intron variant (2).
Genome position (GRCh38, 1-based): chr7:128,405,785, G>T on the plus strand (C>A on the coding strand, the complement: IMPDH1 is on the minus strand). VCF-style: chr7-128405785-G-T. GRCh37 (hg19) VCF-style: chr7-128045839-G-T.
Other names: c.305C>A, p.Ala102Asp (NM_001102605.2); c.80C>A, p.Ala27Asp (NM_001142573.2, NM_001142574.2, NM_001142575.2); c.227C>A, p.Ala76Asp (NM_183243.3); c.147-2031C>A (NM_001304521.2); c.255-2031C>A (NM_001142576.2); short protein forms A112D, A27D, A76D, A102D.
Identifiers: ClinVar variation 499956 (VCV000499956.12), dbSNP rs1318719055, ClinGen allele CA369178085.